The following is an entry in ClinVar:

ClinVar aggregate classification (germline): Conflicting classifications of pathogenicity. Review status: criteria provided, conflicting classifications (1 of 4 stars). 2 submissions from 2 submitters: Uncertain significance (1); Likely benign (1). Last evaluated 2024-02-20.

Conditions:
Megalencephaly-polymicrogyria-polydactyly-hydrocephalus syndrome 2 (MPPH2). Also called: MEGALENCEPHALY-POLYMICROGYRIA-POLYDACTYLY-HYDROCEPHALUS SYNDROME 2, SOMATIC. Identifiers: Orphanet 83473, MedGen C4014738, MONDO:0014407, OMIM 615937.

Allele frequency attached by ClinVar (database versions not stated): TOPMed 0.00004; gnomAD 0.00006 and 0.00007; ESP Exome Variant Server 0.00008.
gnomAD v4.1: 18 of 1,599,150 alleles (0.0011%); highest among the groups gnomAD compares: African/African-American, 0.022%; no homozygotes.

Submissions (2):

Labcorp Genetics (formerly Invitae), Labcorp
Classification: Likely benign for Megalencephaly-polymicrogyria-polydactyly-hydrocephalus syndrome 2. Last evaluated: 2024-02-20. Review status: criteria provided, single submitter. Criteria: Invitae Variant Classification Sherloc (09022015). Collection method: clinical testing. Allele origin: germline.

GeneDx
Classification: Uncertain significance. Last evaluated: 2017-12-19. Review status: criteria provided, single submitter. Criteria: GeneDx Variant Classification (06012015). Collection method: clinical testing. Allele origin: germline. Affected: yes.
Comment: A variant of uncertain significance has been identified in the AKT3 gene. The c.820-10 T>G varianthas not been published as a pathogenic variant, nor has it been reported as a benign variant to our knowledge. This variant is observed in 7/23782 (0.03%) alleles from individuals of African background in large population cohorts (Lek et al., 2016). Several in silico splice prediction models predict that c.820-10 T>G destroys a splice acceptor site in intron 8 which may lead to abnormal gene splicing. However, in the absence of RNA/functional studies, the actual effect of this sequence change in thisindividual is unknown. Therefore, based on the currently available information, it is unclear whetherthis variant is a pathogenic variant or a rare benign variant.

NM_005465.7(AKT3):c.820-10T>G

Gene: AKT3 (AKT serine/threonine kinase 3; minus strand). Cytogenetic location: 1q44.
Variant type: single nucleotide variant.
Coding change: c.820-10T>G on transcript NM_005465.7 (MANE Select); 10 bases into the intron before coding-DNA position 820, T replaced by G.
Molecular consequence: intron variant.
Genome position (GRCh38, 1-based): chr1:243,563,858, A>C on the plus strand (T>G on the coding strand, the complement: AKT3 is on the minus strand). VCF-style: chr1-243563858-A-C. GRCh37 (hg19) VCF-style: chr1-243727160-A-C.
Other names: c.820-10T>G (NM_181690.2, NM_001370074.1, NM_001206729.2).
Identifiers: ClinVar variation 489265 (VCV000489265.11), dbSNP rs370193515, ClinGen allele CA1484004.